The following is an entry in ClinVar:

NM_016239.4(MYO15A):c.8340+4C>T

Gene: MYO15A (myosin XVA; plus strand). Cytogenetic location: 17p11.2.
Variant type: single nucleotide variant.
Coding change: c.8340+4C>T on transcript NM_016239.4 (MANE Select); 4 bases into the intron after coding-DNA position 8340, C replaced by T.
Molecular consequence: intron variant.
Genome position (GRCh38, 1-based): chr17:18,155,229, C>T. VCF-style: chr17-18155229-C-T. GRCh37 (hg19) VCF-style: chr17-18058543-C-T.
Identifiers: ClinVar variation 2175599 (VCV002175599.1), dbSNP rs528260983, ClinGen allele CA8425124.
Genomic context (GRCh38, chr17:18,155,229, plus strand): 5'-GTCAGCACTGCACGAGACACCTGGGAGGTCTACTTCTCCCGCATCTTCCCCGCCACGGTG[C>T]GAGCCCCTCACTTGCCCCCTACCTGTCCAGAGGATTCAGGGATGAGACAAGAGGATCCTC-3'

ClinVar aggregate classification (germline): Uncertain significance (1 of 4 stars; one submission).

Allele frequency attached by ClinVar (database versions not stated): TOPMed 0.00001; gnomAD 0.00006; ExAC 0.00012; 1000 Genomes Project 0.00040; 1000 Genomes Project 30x 0.00062.
gnomAD v4.1: 93 of 1,613,934 alleles (0.0058%); highest among the groups gnomAD compares: South Asian, 0.09%; no homozygotes.

Submission:

Labcorp Genetics (formerly Invitae), Labcorp
Classification: Uncertain significance. Last evaluated: 2022-01-31. Review status: criteria provided, single submitter. Criteria: Invitae Variant Classification Sherloc (09022015). Collection method: clinical testing. Allele origin: germline.
Comment: This sequence change falls in intron 46 of the MYO15A gene. It does not directly change the encoded amino acid sequence of the MYO15A protein. It affects a nucleotide within the consensus splice site. This variant is present in population databases (rs528260983, gnomAD 0.08%). This variant has not been reported in the literature in individuals affected with MYO15A-related conditions. Variants that disrupt the consensus splice site are a relatively common cause of aberrant splicing (PMID: 17576681, 9536098). Algorithms developed to predict the effect of sequence changes on RNA splicing suggest that this variant may disrupt the consensus splice site. In summary, the available evidence is currently insufficient to determine the role of this variant in disease. Therefore, it has been classified as a Variant of Uncertain Significance.

Literature cited by the submitters: PubMed 17576681; PubMed 9536098.